The following is an entry in ClinVar:

ClinVar aggregate classification (germline): Likely benign (1 of 4 stars; one submission).

gnomAD v4.1: 9 of 1,117,550 alleles (0.00081%); highest among the groups gnomAD compares: Non-Finnish European, 0.0011%; no homozygotes.

Submission:

CeGaT Center for Human Genetics Tuebingen
Classification: Likely benign. Last evaluated: 2025-11-01. Review status: criteria provided, single submitter. Criteria: CeGaT Center For Human Genetics Tuebingen Variant Classification Criteria Version 2. Collection method: clinical testing. Allele origin: germline. Affected: yes. Observed: 1 variant allele.
Comment: RPGR: BP4, BS2

NM_001034853.2(RPGR):c.3076G>A (p.Glu1026Lys)

Gene: RPGR (retinitis pigmentosa GTPase regulator; minus strand). Cytogenetic location: Xp11.4.
Variant type: single nucleotide variant.
Coding change: c.3076G>A on transcript NM_001034853.2 (MANE Select); coding-DNA position 3076, G replaced by A.
Protein change: p.Glu1026Lys; replaces glutamic acid 1026 with lysine.
Molecular consequence: missense variant. On other transcripts: intron variant (8).
Genome position (GRCh38, 1-based): chrX:38,285,923, C>T on the plus strand (G>A on the coding strand, the complement: RPGR is on the minus strand). VCF-style: chrX-38285923-C-T. GRCh37 (hg19) VCF-style: chrX-38145176-C-T.
Other names: c.1569+5036G>A (NM_001367249.1, NM_001367250.1); c.1902+1171G>A (NM_001367245.1); c.1386+5036G>A (NM_001367251.1); c.1719+1171G>A (NM_001367246.1); c.1572+5036G>A (NM_001367247.1); c.1905+1171G>A (NM_000328.3); c.1602+5036G>A (NM_001367248.1); short protein forms E1026K.
Identifiers: ClinVar variation 4534506 (VCV004534506.6).